The following is an entry in ClinVar:

NM_001372.4(DNAH9):c.2440A>T (p.Ile814Phe)

Gene: DNAH9 (dynein axonemal heavy chain 9; plus strand). Cytogenetic location: 17p12.
Variant type: single nucleotide variant.
Coding change: c.2440A>T on transcript NM_001372.4 (MANE Select); coding-DNA position 2440, A replaced by T.
Protein change: p.Ile814Phe; replaces isoleucine 814 with phenylalanine.
Molecular consequence: missense variant.
Genome position (GRCh38, 1-based): chr17:11,652,847, A>T. VCF-style: chr17-11652847-A-T. GRCh37 (hg19) VCF-style: chr17-11556164-A-T.
Other names: short protein forms I814F.
Identifiers: ClinVar variation 1942407 (VCV001942407.3), dbSNP rs2544306649, ClinGen allele CA398177524.

ClinVar aggregate classification (germline): Uncertain significance (1 of 4 stars; one submission).

Allele frequency attached by ClinVar (database versions not stated): gnomAD exomes below 0.00001.
gnomAD v4.1: 2 of 1,614,036 alleles (0.00012%); highest among the groups gnomAD compares: Admixed American, 0.0017%; no homozygotes.

Submission:

Labcorp Genetics (formerly Invitae), Labcorp
Classification: Uncertain significance. Last evaluated: 2022-01-16. Review status: criteria provided, single submitter. Criteria: Invitae Variant Classification Sherloc (09022015). Collection method: clinical testing. Allele origin: germline.
Comment: In summary, the available evidence is currently insufficient to determine the role of this variant in disease. Therefore, it has been classified as a Variant of Uncertain Significance. Algorithms developed to predict the effect of missense changes on protein structure and function are either unavailable or do not agree on the potential impact of this missense change (SIFT: "Deleterious"; PolyPhen-2: "Possibly Damaging"; Align-GVGD: "Class C0"). This variant has not been reported in the literature in individuals affected with DNAH9-related conditions. This variant is not present in population databases (gnomAD no frequency). This sequence change replaces isoleucine, which is neutral and non-polar, with phenylalanine, which is neutral and non-polar, at codon 814 of the DNAH9 protein (p.Ile814Phe).